The following is an entry in ClinVar:

NM_001330078.2(NRXN1):c.821-84A>G

Gene: NRXN1 (neurexin 1; minus strand). Cytogenetic location: 2p16.3.
Variant type: single nucleotide variant.
Coding change: c.821-84A>G on transcript NM_001330078.2 (MANE Select); 84 bases into the intron before coding-DNA position 821, A replaced by G.
Molecular consequence: intron variant.
Genome position (GRCh38, 1-based): chr2:50,921,964, T>C on the plus strand (A>G on the coding strand, the complement: NRXN1 is on the minus strand). VCF-style: chr2-50921964-T-C. GRCh37 (hg19) VCF-style: chr2-51149102-T-C.
Other names: c.772+105538A>G (NM_001330096.2, NM_001330087.2, NM_001330083.2 and 1 more transcripts); c.802+694A>G (NM_001330088.2); c.818-84A>G (NM_001330093.2, NM_001330079.2); c.820+694A>G (NM_001330094.2); c.821-84A>G (NM_001330095.2, NM_001330082.2, NM_001330077.2 and 5 more transcripts); c.920-84A>G (NM_001135659.3).
Identifiers: ClinVar variation 670808 (VCV000670808.2), dbSNP rs4327263, ClinGen allele CA48023294.

ClinVar aggregate classification (germline): Benign. Review status: criteria provided, multiple submitters, no conflicts (2 of 4 stars). 2 submissions from 2 submitters: Benign (2). Last evaluated 2018-06-18.

Allele frequency attached by ClinVar (database versions not stated): gnomAD exomes 0.09443; 1000 Genomes Project 0.10244; 1000 Genomes Project 30x 0.10665; ESP Exome Variant Server 0.11092; gnomAD 0.11170 and 0.11379; TOPMed 0.11564.
gnomAD v4.1: 70,097 of 713,840 alleles (9.8%); highest among the groups gnomAD compares: African/African-American, 18%; 3,930 homozygotes.

Submissions (2):

GeneDx
Classification: Benign. Last evaluated: 2018-06-18. Review status: criteria provided, single submitter. Criteria: GeneDx Variant Classification (06012015). Collection method: clinical testing. Allele origin: germline. Affected: yes.
Comment: This variant is considered likely benign or benign based on one or more of the following criteria: it is a conservative change, it occurs at a poorly conserved position in the protein, it is predicted to be benign by multiple in silico algorithms, and/or has population frequency not consistent with disease.

Breakthrough Genomics
Classification: Benign. Review status: criteria provided, single submitter. Criteria: ACMG Guidelines, 2015. Collection method: not provided. Allele origin: germline. Inheritance: Autosomal recessive inheritance. Affected: yes.